The following is an entry in ClinVar:

NM_000138.5(FBN1):c.3376G>A (p.Gly1126Ser)

Gene: FBN1 (fibrillin 1; minus strand). Cytogenetic location: 15q21.1.
Variant type: single nucleotide variant.
Coding change: c.3376G>A on transcript NM_000138.5 (MANE Select); coding-DNA position 3376, G replaced by A.
Protein change: p.Gly1126Ser; replaces glycine 1126 with serine.
Molecular consequence: missense variant.
Genome position (GRCh38, 1-based): chr15:48,487,399, C>T on the plus strand (G>A on the coding strand, the complement: FBN1 is on the minus strand). VCF-style: chr15-48487399-C-T. GRCh37 (hg19) VCF-style: chr15-48779596-C-T.
Other names: short protein forms G1126S.
Identifiers: ClinVar variation 519721 (VCV000519721.24), dbSNP rs1437464599, ClinGen allele CA392326608.
Genomic context (GRCh38, chr15:48,487,399, plus strand): 5'-GCTGATGGCCAGGCGGGCATTCACAGCGGTAACTTCCCTCTGTGTTATGGCAAACACCAC[C>T]TCGGCATAGGAGAGGATCTCTCTGACACTCATCAATATCTGCAAAATGGAAATGACCATG-3'
Protein context (NP_000129.3, residues 1116-1136): ECQRDPLLCR[Gly1126Ser]GVCHNTEGSY

ClinVar aggregate classification (germline): Uncertain significance. Review status: criteria provided, multiple submitters, no conflicts (2 of 4 stars). 7 submissions from 7 submitters: Uncertain significance (7). Last evaluated 2025-10-01.

Conditions:
Familial thoracic aortic aneurysm and aortic dissection (TAAD). Also called: Thoracic aortic aneurysms and dissections. Identifiers: Orphanet 91387, MedGen C4707243, MONDO:0019625.
Marfan syndrome (MFS). Also called: Marfan syndrome type 1; Marfan syndrome, classic; Marfan's syndrome; FBN1-Related Marfan Syndrome; MARFAN SYNDROME, TYPE I. Identifiers: Orphanet 284963, Orphanet 558, MedGen C0024796, MONDO:0007947, OMIM 154700.
FBN1-related disorder. Also called: FBN1-related disorders.

Allele frequency attached by ClinVar (database versions not stated): gnomAD exomes 0.00001; gnomAD 0.00001.
gnomAD v4.1: 24 of 1,614,052 alleles (0.0015%); highest among the groups gnomAD compares: Non-Finnish European, 0.0019%; no homozygotes.

Submissions (7):

GeneDx
Classification: Uncertain significance. Last evaluated: 2025-10-01. Review status: criteria provided, single submitter. Criteria: GeneDx Variant Classification Process June 2021. Collection method: clinical testing. Allele origin: germline. Affected: yes.
Comment: Has not been previously published as pathogenic or benign to our knowledge; Not observed at significant frequency in large population cohorts (gnomAD); In silico analysis supports that this missense variant has a deleterious effect on protein structure/function; Although located in a calcium-binding EGF-like domain of the FBN1 gene, it does not affect a cysteine residue within this domain; cysteine substitutions in the calcium-binding EGF-like domains represent the majority of pathogenic missense changes associated with FBN1-related disorders (PMID: 12938084); This variant is associated with the following publications: (PMID: 12938084)

Ambry Genetics
Classification: Uncertain significance for Familial thoracic aortic aneurysm and aortic dissection. Last evaluated: 2025-06-13. Review status: criteria provided, single submitter. Criteria: Ambry Variant Classification Scheme 2023. Collection method: clinical testing. Allele origin: germline.
Comment: The p.G1126S variant (also known as c.3376G>A), located in coding exon 27 of the FBN1 gene, results from a G to A substitution at nucleotide position 3376. The glycine at codon 1126 is replaced by serine, an amino acid with similar properties. This amino acid position is highly conserved in available vertebrate species. In addition, this alteration is predicted to be deleterious by in silico analysis. Based on the available evidence, the clinical significance of this variant remains unclear.

Color Diagnostics, LLC DBA Color Health
Classification: Uncertain significance for Familial thoracic aortic aneurysm and aortic dissection. Last evaluated: 2024-03-06. Review status: criteria provided, single submitter. Criteria: ACMG Guidelines, 2015. Collection method: clinical testing. Allele origin: germline.
Comment: This missense variant replaces glycine with serine at codon 1126 of the FBN1 protein. Computational prediction suggests that this variant may have deleterious impact on protein structure and function (internally defined REVEL score threshold >= 0.7, PMID: 27666373). To our knowledge, functional studies have not been reported for this variant. This variant has not been reported in individuals affected with FBN1-related disorders in the literature. This variant has been identified in 5/282854 chromosomes in the general population by the Genome Aggregation Database (gnomAD). The available evidence is insufficient to determine the role of this variant in disease conclusively. Therefore, this variant is classified as a Variant of Uncertain Significance.

Blueprint Genetics
Classification: Uncertain significance. Last evaluated: 2023-10-18. Review status: criteria provided, single submitter. Criteria: ACMG Guidelines, 2015. Collection method: clinical testing. Allele origin: germline.

PreventionGenetics, part of Exact Sciences
Classification: Uncertain significance for FBN1-related condition. Last evaluated: 2023-07-05. Review status: criteria provided, single submitter. Criteria: ACMG Guidelines, 2015. Collection method: clinical testing. Allele origin: germline.
Comment: The FBN1 c.3376G>A variant is predicted to result in the amino acid substitution p.Gly1126Ser. To our knowledge, this variant has not been reported in the literature. This variant is reported in 0.0039% of alleles in individuals of European (Non-Finnish) descent in gnomAD. At this time, the clinical significance of this variant is uncertain due to the absence of conclusive functional and genetic evidence.

All of Us Research Program, National Institutes of Health
Classification: Uncertain significance for Marfan syndrome. Last evaluated: 2023-06-28. Review status: criteria provided, single submitter. Criteria: ACMG Guidelines, 2015. Collection method: clinical testing. Allele origin: germline. Inheritance: Autosomal dominant inheritance. Observed: 3 variant alleles, 3 heterozygotes.
Comment: This missense variant replaces glycine with serine at codon 1126 of the FBN1 protein. Computational prediction suggests that this variant may have deleterious impact on protein structure and function (internally defined REVEL score threshold >= 0.7, PMID: 27666373). Splice site prediction tools suggest that this variant may not impact RNA splicing. To our knowledge, functional studies have not been performed for this variant. This variant has not been reported in individuals affected with cardiovascular disorders in the literature. This variant has been identified in 5/282854 chromosomes in the general population by the Genome Aggregation Database (gnomAD). The available evidence is insufficient to determine the role of this variant in disease conclusively. Therefore, this variant is classified as a Variant of Uncertain Significance.

This study involves interpretation of variants in research participants for the purpose of population health screening. Participant phenotype was not available at the time of variant classification. Additional details can be found in publication PMID: 35346344, PMCID: PMC8962531

Labcorp Genetics (formerly Invitae), Labcorp
Classification: Uncertain significance for Marfan syndrome; Familial thoracic aortic aneurysm and aortic dissection. Last evaluated: 2021-08-24. Review status: criteria provided, single submitter. Criteria: Invitae Variant Classification Sherloc (09022015). Collection method: clinical testing. Allele origin: germline.
Comment: This sequence change replaces glycine with serine at codon 1126 of the FBN1 protein (p.Gly1126Ser). The glycine residue is highly conserved and there is a small physicochemical difference between glycine and serine. This variant is not present in population databases (ExAC no frequency). This variant has not been reported in the literature in individuals affected with FBN1-related conditions. Algorithms developed to predict the effect of missense changes on protein structure and function are either unavailable or do not agree on the potential impact of this missense change (SIFT: "Deleterious"; PolyPhen-2: "Probably Damaging"; Align-GVGD: "Class C0"). Algorithms developed to predict the effect of sequence changes on RNA splicing suggest that this variant may create or strengthen a splice site. In summary, the available evidence is currently insufficient to determine the role of this variant in disease. Therefore, it has been classified as a Variant of Uncertain Significance.